The following is an entry in ClinVar:

NM_020884.7(MYH7B):c.3407G>A (p.Arg1136Gln)

Gene: MYH7B (myosin heavy chain 7B; plus strand). Cytogenetic location: 20q11.22.
Variant type: single nucleotide variant.
Coding change: c.3407G>A on transcript NM_020884.7 (MANE Select); coding-DNA position 3407, G replaced by A.
Protein change: p.Arg1136Gln; replaces arginine 1136 with glutamine.
Molecular consequence: missense variant.
Genome position (GRCh38, 1-based): chr20:34,997,300, G>A. VCF-style: chr20-34997300-G-A. GRCh37 (hg19) VCF-style: chr20-33585103-G-A.
Other names: short protein forms R1136Q.
Identifiers: ClinVar variation 4691123 (VCV004691123.1).
Genomic context (GRCh38, chr20:34,997,300, plus strand): 5'-GCCCACCCCAGGCTCGGGCGGAGGAGCTGGAAGAGGAGCTGGAGGCAGAGCGGGCAGCCC[G>A]GGCCCGCGTGGAGAAGCAGCGTGCAGAGGCGGCGCGGGAGCTGGAGGAGCTGAGCGAGCG-3'
Protein context (NP_065935.4, residues 1126-1146): EEELEAERAA[Arg1136Gln]ARVEKQRAEA

ClinVar aggregate classification (germline): Uncertain significance (1 of 4 stars; one submission).

gnomAD v4.1: 20 of 1,553,724 alleles (0.0013%); highest among the groups gnomAD compares: African/African-American, 0.016%; no homozygotes.

Submission:

Labcorp Genetics (formerly Invitae), Labcorp
Classification: Uncertain significance. Last evaluated: 2025-12-30. Review status: criteria provided, single submitter. Criteria: Invitae Variant Classification Sherloc (09022015). Collection method: clinical testing. Allele origin: germline.
Comment: This sequence change replaces arginine, which is basic and polar, with glutamine, which is neutral and polar, at codon 1178 of the MYH7B protein (p.Arg1178Gln). The frequency data for this variant in the population databases is considered unreliable, as metrics indicate poor data quality at this position in the gnomAD database. This variant has not been reported in the literature in individuals affected with MYH7B-related conditions. Invitae Evidence Modeling of protein sequence and biophysical properties (such as structural, functional, and spatial information, amino acid conservation, physicochemical variation, residue mobility, and thermodynamic stability) indicates that this missense variant is expected to disrupt MYH7B protein function with a positive predictive value of 80%. In summary, the available evidence is currently insufficient to determine the role of this variant in disease. Therefore, it has been classified as a Variant of Uncertain Significance.